The following is an entry in ClinVar:

NM_001080442.3(SLC38A8):c.530+1G>A

Gene: SLC38A8 (solute carrier family 38 member 8; minus strand). Cytogenetic location: 16q23.3.
Variant type: single nucleotide variant.
Coding change: c.530+1G>A on transcript NM_001080442.3 (MANE Select); the canonical splice donor site of the intron after coding-DNA position 530, G replaced by A.
Molecular consequence: splice donor variant.
Genome position (GRCh38, 1-based): chr16:84,033,327, C>T on the plus strand (G>A on the coding strand, the complement: SLC38A8 is on the minus strand). VCF-style: chr16-84033327-C-T. GRCh37 (hg19) VCF-style: chr16-84066932-C-T.
Identifiers: ClinVar variation 2015039 (VCV002015039.4), dbSNP rs2507659020, ClinGen allele CA396939322.

ClinVar aggregate classification (germline): Likely pathogenic (1 of 4 stars; one submission).

Submission:

Labcorp Genetics (formerly Invitae), Labcorp
Classification: Likely pathogenic. Last evaluated: 2022-07-08. Review status: criteria provided, single submitter. Criteria: Invitae Variant Classification Sherloc (09022015). Collection method: clinical testing. Allele origin: germline.
Comment: In summary, the currently available evidence indicates that the variant is pathogenic, but additional data are needed to prove that conclusively. Therefore, this variant has been classified as Likely Pathogenic. Algorithms developed to predict the effect of sequence changes on RNA splicing suggest that this variant may disrupt the consensus splice site. This variant has not been reported in the literature in individuals affected with SLC38A8-related conditions. This variant is not present in population databases (gnomAD no frequency). This sequence change affects a donor splice site in intron 3 of the SLC38A8 gene. It is expected to disrupt RNA splicing. Variants that disrupt the donor or acceptor splice site typically lead to a loss of protein function (PMID: 16199547), and loss-of-function variants in SLC38A8 are known to be pathogenic (PMID: 24290379).

Literature cited by the submitters: PubMed 16199547; PubMed 24290379.